The following is an entry in ClinVar:

ClinVar aggregate classification (germline): Pathogenic (1 of 4 stars; one submission).

Conditions:
Hereditary cancer-predisposing syndrome. Also called: Neoplastic Syndromes, Hereditary; Tumor predisposition; Hereditary neoplastic syndrome; Hereditary Cancer Syndrome. Identifiers: Orphanet 140162, MedGen C0027672, MeSH D009386, MONDO:0015356.

Submission:

Ambry Genetics
Classification: Pathogenic for Hereditary cancer-predisposing syndrome. Last evaluated: 2023-03-01. Review status: criteria provided, single submitter. Criteria: Ambry Variant Classification Scheme 2023. Collection method: clinical testing. Allele origin: germline.
Comment: The p.L1085* pathogenic mutation (also known as c.3254T>A), located in coding exon 12 of the PALB2 gene, results from a T to A substitution at nucleotide position 3254. This changes the amino acid from a leucine to a stop codon within coding exon 12. This variant is considered to be rare based on population cohorts in the Genome Aggregation Database (gnomAD). This alteration is expected to result in loss of function by premature protein truncation or nonsense-mediated mRNA decay. As such, this alteration is interpreted as a disease-causing mutation.

NM_024675.4(PALB2):c.3254T>A (p.Leu1085Ter)

Gene: PALB2 (partner and localizer of BRCA2; minus strand). Cytogenetic location: 16p12.2.
Variant type: single nucleotide variant.
Coding change: c.3254T>A on transcript NM_024675.4 (MANE Select); coding-DNA position 3254, T replaced by A.
Protein change: p.Leu1085Ter; replaces leucine 1085 with a stop codon.
Molecular consequence: nonsense. On other transcripts: intron variant (8).
Genome position (GRCh38, 1-based): chr16:23,607,960, A>T on the plus strand (T>A on the coding strand, the complement: PALB2 is on the minus strand). VCF-style: chr16-23607960-A-T. GRCh37 (hg19) VCF-style: chr16-23619281-A-T.
Other names: c.3194T>A, p.Leu1065Ter (NM_001407296.1); c.3182T>A, p.Leu1061Ter (NM_001407297.1); c.3092T>A, p.Leu1031Ter (NM_001407298.1); c.2975T>A, p.Leu992Ter (NM_001407300.1); c.2369T>A, p.Leu790Ter (NM_001407304.1, NM_001407305.1, NM_001407306.1); c.2207T>A, p.Leu736Ter (NM_001407307.1); c.1466T>A, p.Leu489Ter (NM_001407312.1); c.788T>A, p.Leu263Ter (NM_001407314.1); and 6 more; short protein forms L1061*, L1065*, L1085*, L736*, L790*, L263*, L489*, L992*.
Identifiers: ClinVar variation 2453309 (VCV002453309.2), dbSNP rs780524136, ClinGen allele CA395139801.